The following is an entry in ClinVar:

ClinVar aggregate classification (germline): Uncertain significance. Review status: criteria provided, multiple submitters, no conflicts (2 of 4 stars). 2 submissions from 2 submitters: Uncertain significance (2). Last evaluated 2025-01-27.

Conditions:
Hereditary cancer-predisposing syndrome. Also called: Tumor predisposition; Neoplastic Syndromes, Hereditary; Hereditary Cancer Syndrome; Hereditary neoplastic syndrome. Identifiers: Orphanet 140162, MedGen C0027672, MeSH D009386, MONDO:0015356.
Breast-ovarian cancer, familial, susceptibility to, 4. Identifiers: Orphanet 145, MedGen C3280345, MONDO:0013669, OMIM 614291.

Submissions (2):

Labcorp Genetics (formerly Invitae), Labcorp
Classification: Uncertain significance for Breast-ovarian cancer, familial, susceptibility to, 4. Last evaluated: 2025-01-27. Review status: criteria provided, single submitter. Criteria: Invitae Variant Classification Sherloc (09022015). Collection method: clinical testing. Allele origin: germline.
Comment: This sequence change replaces isoleucine, which is neutral and non-polar, with methionine, which is neutral and non-polar, at codon 105 of the RAD51D protein (p.Ile105Met). This variant is not present in population databases (gnomAD no frequency). This missense change has been observed in individual(s) with pancreatic cancer (PMID: 28767289). This variant is also known as c.375A>C. ClinVar contains an entry for this variant (Variation ID: 1728297). Invitae Evidence Modeling of protein sequence and biophysical properties (such as structural, functional, and spatial information, amino acid conservation, physicochemical variation, residue mobility, and thermodynamic stability) indicates that this missense variant is not expected to disrupt RAD51D protein function with a negative predictive value of 80%. Algorithms developed to predict the effect of sequence changes on RNA splicing suggest that this variant may create or strengthen a splice site. In summary, the available evidence is currently insufficient to determine the role of this variant in disease. Therefore, it has been classified as a Variant of Uncertain Significance.

Ambry Genetics
Classification: Uncertain significance for Hereditary cancer-predisposing syndrome. Last evaluated: 2022-05-31. Review status: criteria provided, single submitter. Criteria: Ambry Variant Classification Scheme 2023. Collection method: clinical testing. Allele origin: germline.
Comment: The p.I105M variant (also known as c.315T>G), located in coding exon 4 of the RAD51D gene, results from a T to G substitution at nucleotide position 315. The isoleucine at codon 105 is replaced by methionine, an amino acid with highly similar properties. This amino acid position is well conserved in available vertebrate species. In addition, the in silico prediction for this alteration is inconclusive. Since supporting evidence is limited at this time, the clinical significance of this alteration remains unclear.

Literature cited by the submitters: PubMed 28767289 (cited by Labcorp Genetics (formerly Invitae), Labcorp).

NM_002878.4(RAD51D):c.315T>G (p.Ile105Met)

Genes: RAD51L3-RFFL (RAD51L3-RFFL readthrough; minus strand), RAD51D (RAD51 paralog D; minus strand). Cytogenetic location: 17q12.
Variant type: single nucleotide variant.
Coding change: c.315T>G on transcript NM_002878.4 (MANE Select); coding-DNA position 315, T replaced by G.
Protein change: p.Ile105Met; replaces isoleucine 105 with methionine.
Molecular consequence: missense variant. On other transcripts: non-coding transcript variant (2), intron variant (1).
Genome position (GRCh38, 1-based): chr17:35,107,396, A>C on the plus strand (T>G on the coding strand, the complement: RAD51D is on the minus strand). VCF-style: chr17-35107396-A-C. GRCh37 (hg19) VCF-style: chr17-33434415-A-C.
Other names: c.375T>G, p.Ile125Met (NM_001142571.2); c.145-915T>G (NM_133629.3); short protein forms I105M, I125M.
Identifiers: ClinVar variation 1728297 (VCV001728297.5), dbSNP rs1305215479, ClinGen allele CA399089936.